The following is an entry in ClinVar:

NM_032608.7(MYO18B):c.1691G>A (p.Arg564Gln)

Gene: MYO18B (myosin XVIIIB; plus strand). Cytogenetic location: 22q12.1.
Variant type: single nucleotide variant.
Coding change: c.1691G>A on transcript NM_032608.7 (MANE Select); coding-DNA position 1691, G replaced by A.
Protein change: p.Arg564Gln; replaces arginine 564 with glutamine.
Molecular consequence: missense variant.
Genome position (GRCh38, 1-based): chr22:25,770,983, G>A. VCF-style: chr22-25770983-G-A. GRCh37 (hg19) VCF-style: chr22-26166950-G-A.
Other names: c.1691G>A (NM_032608.5); c.1691G>A, p.Arg564Gln (NM_001318245.2); short protein forms R564Q.
Identifiers: ClinVar variation 1427867 (VCV001427867.7), dbSNP rs1001070021, ClinGen allele CA322781471.

ClinVar aggregate classification (germline): Uncertain significance. Review status: criteria provided, multiple submitters, no conflicts (2 of 4 stars). 3 submissions from 3 submitters: Uncertain significance (3). Last evaluated 2025-11-03.

Conditions:
Inborn genetic diseases. Identifiers: MedGen C0950123, MeSH D030342.

Allele frequency attached by ClinVar (database versions not stated): gnomAD exomes 0.00001; gnomAD 0.00004 and 0.00005; TOPMed 0.00009.
gnomAD v4.1: 33 of 1,550,504 alleles (0.0021%); highest among the groups gnomAD compares: South Asian, 0.014%; 1 homozygote.

Submissions (3):

Labcorp Genetics (formerly Invitae), Labcorp
Classification: Uncertain significance. Last evaluated: 2025-11-03. Review status: criteria provided, single submitter. Criteria: Invitae Variant Classification Sherloc (09022015). Collection method: clinical testing. Allele origin: germline.
Comment: This sequence change replaces arginine, which is basic and polar, with glutamine, which is neutral and polar, at codon 564 of the MYO18B protein (p.Arg564Gln). The frequency data for this variant in the population databases is considered unreliable, as metrics indicate poor data quality at this position in the gnomAD database. This variant has not been reported in the literature in individuals affected with MYO18B-related conditions. ClinVar contains an entry for this variant (Variation ID: 1427867). An algorithm developed to predict the effect of missense changes on protein structure and function (PolyPhen-2) suggests that this variant is likely to be tolerated. In summary, the available evidence is currently insufficient to determine the role of this variant in disease. Therefore, it has been classified as a Variant of Uncertain Significance.

Ambry Genetics
Classification: Uncertain significance for Inborn genetic diseases. Last evaluated: 2025-04-16. Review status: criteria provided, single submitter. Criteria: Ambry Variant Classification Scheme 2023. Collection method: clinical testing. Allele origin: germline.

Breakthrough Genomics
Classification: Uncertain significance. Review status: criteria provided, single submitter. Criteria: ACMG Guidelines, 2015. Collection method: not provided. Allele origin: germline. Inheritance: Autosomal dominant inheritance. Affected: yes.